The following is an entry in ClinVar:

NM_001077525.3(MTMR14):c.1434-4G>A

Gene: MTMR14 (myotubularin related protein 14; plus strand). Cytogenetic location: 3p25.3.
Variant type: single nucleotide variant.
Coding change: c.1434-4G>A on transcript NM_001077525.3 (MANE Select); 4 bases into the intron before coding-DNA position 1434, G replaced by A.
Molecular consequence: intron variant.
Genome position (GRCh38, 1-based): chr3:9,689,960, G>A. VCF-style: chr3-9689960-G-A. GRCh37 (hg19) VCF-style: chr3-9731644-G-A.
Other names: c.1434-4G>A (NM_001077525.2, NM_001077526.3); c.573-4G>A (NM_001400547.1, NM_001400548.1, NM_001400544.1); c.1431-4G>A (NM_001400519.1, NM_001400522.1); c.792-4G>A (NM_001400534.1, NM_001400541.1, NM_001400533.1 and 5 more transcripts); c.791+878G>A (NM_001400546.1, NM_001400545.1); c.717-4G>A (NM_001400538.1); c.716+878G>A (NM_001400549.1); c.1188-4G>A (NM_001400524.1, NM_001400527.1); and 12 more.
Identifiers: ClinVar variation 2653483 (VCV002653483.25), dbSNP rs114710124, ClinGen allele CA2240766.

ClinVar aggregate classification (germline): Benign/Likely benign. Review status: criteria provided, multiple submitters, no conflicts (2 of 4 stars). 2 submissions from 2 submitters: Benign (1); Likely benign (1). Last evaluated 2026-08-01.

Conditions:
MTMR14-related disorder. Also called: MTMR14-related condition.

Allele frequency attached by ClinVar (database versions not stated): 1000 Genomes Project 30x 0.00500; 1000 Genomes Project 0.00519; TOPMed 0.00620; ESP Exome Variant Server 0.00678; gnomAD 0.00742; ExAC 0.00932.
gnomAD v4.1: 14,101 of 1,608,316 alleles (0.88%); highest among the groups gnomAD compares: Non-Finnish European, 0.97%; 87 homozygotes.

Submissions (2):

CeGaT Center for Human Genetics Tuebingen
Classification: Likely benign. Last evaluated: 2026-08-01. Review status: criteria provided, single submitter. Criteria: CeGaT Center For Human Genetics Tuebingen Variant Classification Criteria Version 2. Collection method: clinical testing. Allele origin: germline. Affected: yes. Observed: 19 variant alleles.
Comment: MTMR14: BP4, BS2

PreventionGenetics, part of Exact Sciences
Classification: Benign for MTMR14-related condition. Last evaluated: 2026-03-24. Review status: criteria provided, single submitter. Criteria: ACMG Guidelines, 2015. Collection method: clinical testing. Allele origin: germline.
Comment: This variant is classified as benign based on ACMG/AMP sequence variant interpretation guidelines (Richards et al. 2015 PMID: 25741868, with internal and published modifications).